The following is an entry in ClinVar:

NM_004655.4(AXIN2):c.1276C>G (p.Leu426Val)

Gene: AXIN2 (axin 2; minus strand). Cytogenetic location: 17q24.1.
Variant type: single nucleotide variant.
Coding change: c.1276C>G on transcript NM_004655.4 (MANE Select); coding-DNA position 1276, C replaced by G.
Protein change: p.Leu426Val; replaces leucine 426 with valine.
Molecular consequence: missense variant.
Genome position (GRCh38, 1-based): chr17:65,537,760, G>C on the plus strand (C>G on the coding strand, the complement: AXIN2 is on the minus strand). VCF-style: chr17-65537760-G-C. GRCh37 (hg19) VCF-style: chr17-63533878-G-C.
Other names: c.1276C>G, p.Leu426Val (NM_001363813.1); short protein forms L426V.
Identifiers: ClinVar variation 1315498 (VCV001315498.8), dbSNP rs1228091347, ClinGen allele CA400677833.

ClinVar aggregate classification (germline): Uncertain significance. Review status: criteria provided, multiple submitters, no conflicts (2 of 4 stars). 3 submissions from 3 submitters: Uncertain significance (3). Last evaluated 2024-04-30.

Conditions:
Hereditary cancer-predisposing syndrome. Also called: Hereditary neoplastic syndrome; Neoplastic Syndromes, Hereditary; Tumor predisposition; Hereditary Cancer Syndrome. Identifiers: Orphanet 140162, MedGen C0027672, MeSH D009386, MONDO:0015356.
Oligodontia-cancer predisposition syndrome. Also called: TOOTH AGENESIS-COLORECTAL CANCER SYNDROME. Identifiers: Orphanet 300576, MedGen C1837750, MONDO:0012075, OMIM 608615. Disease mechanism: loss of function.

Submissions (3):

Labcorp Genetics (formerly Invitae), Labcorp
Classification: Uncertain significance for Oligodontia-cancer predisposition syndrome. Last evaluated: 2024-04-30. Review status: criteria provided, single submitter. Criteria: Invitae Variant Classification Sherloc (09022015). Collection method: clinical testing. Allele origin: germline.
Comment: This sequence change replaces leucine, which is neutral and non-polar, with valine, which is neutral and non-polar, at codon 426 of the AXIN2 protein (p.Leu426Val). This variant is not present in population databases (gnomAD no frequency). This variant has not been reported in the literature in individuals affected with AXIN2-related conditions. ClinVar contains an entry for this variant (Variation ID: 1315498). Advanced modeling of protein sequence and biophysical properties (such as structural, functional, and spatial information, amino acid conservation, physicochemical variation, residue mobility, and thermodynamic stability) performed at Invitae indicates that this missense variant is not expected to disrupt AXIN2 protein function with a negative predictive value of 80%. In summary, the available evidence is currently insufficient to determine the role of this variant in disease. Therefore, it has been classified as a Variant of Uncertain Significance.

Ambry Genetics
Classification: Uncertain significance for Hereditary cancer-predisposing syndrome. Last evaluated: 2022-08-17. Review status: criteria provided, single submitter. Criteria: Ambry Variant Classification Scheme 2023. Collection method: clinical testing. Allele origin: germline.
Comment: The p.L426V variant (also known as c.1276C>G), located in coding exon 5 of the AXIN2 gene, results from a C to G substitution at nucleotide position 1276. The leucine at codon 426 is replaced by valine, an amino acid with highly similar properties. This amino acid position is conserved. In addition, this alteration is predicted to be tolerated by in silico analysis. Since supporting evidence is limited at this time, the clinical significance of this alteration remains unclear.

GeneDx
Classification: Uncertain significance. Last evaluated: 2020-02-12. Review status: criteria provided, single submitter. Criteria: GeneDx Variant Classification Process June 2021. Collection method: clinical testing. Allele origin: germline. Affected: yes.
Comment: Has not been previously published as pathogenic or benign to our knowledge; In silico analysis supports that this missense variant does not alter protein structure/function; Not observed in large population cohorts (Lek 2016)